The following is an entry in ClinVar:

ClinVar aggregate classification (germline): Uncertain significance (1 of 4 stars; one submission).

Allele frequency attached by ClinVar (database versions not stated): gnomAD exomes 0.00001; TOPMed 0.00001.
gnomAD v4.1: 10 of 1,608,580 alleles (0.00062%); highest among the groups gnomAD compares: East Asian, 0.0045%; no homozygotes.

Submission:

Labcorp Genetics (formerly Invitae), Labcorp
Classification: Uncertain significance. Last evaluated: 2022-11-10. Review status: criteria provided, single submitter. Criteria: Invitae Variant Classification Sherloc (09022015). Collection method: clinical testing. Allele origin: germline.
Comment: This sequence change replaces asparagine, which is neutral and polar, with serine, which is neutral and polar, at codon 1112 of the ATRN protein (p.Asn1112Ser). This variant is present in population databases (no rsID available, gnomAD 0.003%). This variant has not been reported in the literature in individuals affected with ATRN-related conditions. Algorithms developed to predict the effect of missense changes on protein structure and function are either unavailable or do not agree on the potential impact of this missense change (SIFT: "Deleterious"; PolyPhen-2: "Benign"; Align-GVGD: "Class C45"). In summary, the available evidence is currently insufficient to determine the role of this variant in disease. Therefore, it has been classified as a Variant of Uncertain Significance.

NM_139321.3(ATRN):c.3335A>G (p.Asn1112Ser)

Gene: ATRN (attractin; plus strand). Cytogenetic location: 20p13.
Variant type: single nucleotide variant.
Coding change: c.3335A>G on transcript NM_139321.3 (MANE Select); coding-DNA position 3335, A replaced by G.
Protein change: p.Asn1112Ser; replaces asparagine 1112 with serine.
Molecular consequence: missense variant.
Genome position (GRCh38, 1-based): chr20:3,594,491, A>G. VCF-style: chr20-3594491-A-G. GRCh37 (hg19) VCF-style: chr20-3575138-A-G.
Other names: c.2987A>G, p.Asn996Ser (NM_001207047.3); c.3335A>G, p.Asn1112Ser (NM_001323332.2, NM_139322.4); short protein forms N996S, N1112S.
Identifiers: ClinVar variation 2909329 (VCV002909329.3), dbSNP rs1181457025, ClinGen allele CA408100301.